The following is an entry in ClinVar:

ClinVar aggregate classification (germline): Uncertain significance (1 of 4 stars; one submission).

gnomAD v4.1: 11 of 1,613,992 alleles (0.00068%); highest among the groups gnomAD compares: Non-Finnish European, 0.00093%; no homozygotes.

Submission:

Centre of Medical Genetics, University Hospital Muenster
Classification: Uncertain significance. Last evaluated: 2021-12-08. Review status: criteria provided, single submitter. Criteria: ACMG Guidelines, 2015. Collection method: clinical testing. Allele origin: unknown. Affected: yes. Observed: 1 variant allele, 1 heterozygote.
Comment: ACMG categories: PM1,PM2,BP1

NM_001282717.2(STAG3):c.2734A>T (p.Thr912Ser)

Gene: STAG3 (STAG3 cohesin complex component; plus strand). Cytogenetic location: 7q22.1.
Variant type: single nucleotide variant.
Coding change: c.2734A>T on transcript NM_001282717.2 (MANE Select); coding-DNA position 2734, A replaced by T.
Protein change: p.Thr912Ser; replaces threonine 912 with serine.
Molecular consequence: missense variant.
Genome position (GRCh38, 1-based): chr7:100,204,054, A>T. VCF-style: chr7-100204054-A-T. GRCh37 (hg19) VCF-style: chr7-99801677-A-T.
Other names: c.2734A>T, p.Thr912Ser (NM_001282716.1, NM_001375438.1, NM_012447.4); c.2560A>T, p.Thr854Ser (NM_001282718.2); short protein forms T854S, T912S.
Identifiers: ClinVar variation 1708339 (VCV001708339.3), dbSNP rs200361384, ClinGen allele CA368431854.